The following is an entry in ClinVar:

NM_019892.6(INPP5E):c.1534C>T (p.Arg512Trp)

Gene: INPP5E (inositol polyphosphate-5-phosphatase E; minus strand). Cytogenetic location: 9q34.3.
Variant type: single nucleotide variant.
Coding change: c.1534C>T on transcript NM_019892.6 (MANE Select); coding-DNA position 1534, C replaced by T.
Protein change: p.Arg512Trp; replaces arginine 512 with tryptophan.
Molecular consequence: missense variant.
Genome position (GRCh38, 1-based): chr9:136,431,839, G>A on the plus strand (C>T on the coding strand, the complement: INPP5E is on the minus strand). VCF-style: chr9-136431839-G-A. GRCh37 (hg19) VCF-style: chr9-139326291-G-A.
Other names: c.1534C>T (NM_019892.5); c.1531C>T, p.Arg511Trp (NM_001318502.2); short protein forms R512W, R511W.
Identifiers: ClinVar variation 1437873 (VCV001437873.12), dbSNP rs374152018, ClinGen allele CA5336762.

ClinVar aggregate classification (germline): Conflicting classifications of pathogenicity. Review status: criteria provided, conflicting classifications (1 of 4 stars). 5 submissions from 5 submitters: Likely pathogenic (2); Uncertain significance (2). 1 of the submissions does not count toward it. Last evaluated 2025-01-08.

Conditions:
MORM syndrome (MORMS). Identifiers: Orphanet 75858, MedGen C1857802, MONDO:0012423, OMIM 610156.
Joubert syndrome 1 (JBTS1). Also called: Cerebellooculorenal syndrome 1; CEREBELLOPARENCHYMAL DISORDER IV. Identifiers: MedGen C4551568, MONDO:0008944, OMIM 213300.
Joubert syndrome. Also called: JOUBERT-BOLTSHAUSER SYNDROME; Familial aplasia of the vermis. Identifiers: Orphanet 475, MedGen C5979921, MONDO:0018772.
INPP5E-related disorder. Also called: INPP5E-related condition.

Allele frequency attached by ClinVar (database versions not stated): gnomAD 0.00003 and 0.00002; TOPMed 0.00003; ExAC 0.00005; ESP Exome Variant Server 0.00008.
gnomAD v4.1: 41 of 1,535,614 alleles (0.0027%); highest among the groups gnomAD compares: Middle Eastern, 0.017%; no homozygotes.

Submissions (5):

First Genomix Gene Laboratory, Genetic Diagnostics Department
Classification: Likely pathogenic for MORM syndrome; Joubert syndrome 1. Last evaluated: 2025-01-08. Review status: criteria provided, single submitter. Criteria: ACMG Guidelines, 2015. Collection method: clinical testing. Allele origin: germline. Inheritance: Autosomal recessive inheritance. Affected: no. Observed: 1 variant allele.

Labcorp Genetics (formerly Invitae), Labcorp
Classification: Uncertain significance for Joubert syndrome. Last evaluated: 2024-12-02. Review status: criteria provided, single submitter. Criteria: Invitae Variant Classification Sherloc (09022015). Collection method: clinical testing. Allele origin: germline.
Comment: This sequence change replaces arginine, which is basic and polar, with tryptophan, which is neutral and slightly polar, at codon 512 of the INPP5E protein (p.Arg512Trp). This variant is present in population databases (rs374152018, gnomAD 0.006%). This missense change has been observed in individual(s) with Joubert syndrome (PMID: 19668216). ClinVar contains an entry for this variant (Variation ID: 1437873). Invitae Evidence Modeling of protein sequence and biophysical properties (such as structural, functional, and spatial information, amino acid conservation, physicochemical variation, residue mobility, and thermodynamic stability) has been performed for this missense variant. However, the output from this modeling did not meet the statistical confidence thresholds required to predict the impact of this variant on INPP5E protein function. In summary, the available evidence is currently insufficient to determine the role of this variant in disease. Therefore, it has been classified as a Variant of Uncertain Significance.

Dubai Health Genomic Medicine Center, Dubai Health
Classification: Likely pathogenic for Joubert syndrome 1. Last evaluated: 2024-10-04. Review status: criteria provided, single submitter. Criteria: ACMG Guidelines, 2015. Collection method: research. Allele origin: germline. Affected: yes.
Comment: PM3,PM2,PP4,PP1

Fulgent Genetics
Classification: Uncertain significance for Joubert syndrome 1; MORM syndrome. Last evaluated: 2024-02-13. Review status: criteria provided, single submitter. Criteria: ACMG Guidelines, 2015. Collection method: clinical testing. Allele origin: germline.

PreventionGenetics, part of Exact Sciences
Classification: Uncertain significance for INPP5E-related condition. Last evaluated: 2024-07-11. Review status: no assertion criteria provided. Collection method: clinical testing. Allele origin: germline. Not counted in ClinVar's aggregate classification.
Comment: The INPP5E c.1534C>T variant is predicted to result in the amino acid substitution p.Arg512Trp. This variant has been observed to co-occur with the nearby p.Arg515Trp variant, and the combined [p.Arg512Trp;p.Arg515Trp] allele has been reported in the homozygous state in at least two families with Joubert syndrome (Bielas et al. 2009. PubMed ID: 19668216). In vitro studies using patient fibroblasts demonstrated that homozygosity for the [p.Arg512Trp;p.Arg515Trp] allele resulted in a complete loss of INPP5E phosphatase activity and an increased rate of ciliary disassembly relative to wild type (Bielas et al. 2009. PubMed ID: 19668216). This study also stated that the p.Arg515Trp variant was primarily responsible for the damaging effect of the [p.Arg512Trp;p.Arg515Trp] allele; however, functional evidence supporting this assertion was not provided ("data not shown") and, to our knowledge, has not been reported elsewhere. Another missense variant affecting the same amino acid residue (p.Arg512Gln) has been reported in the homozygous state in one individual with Joubert syndrome, but insufficient evidence was provided to establish its pathogenicity (Ben-Salem et al. 2014. PubMed ID: 27081510). This variant is reported in 0.0056% of alleles in individuals of East Asian descent in gnomAD. In summary, we interpret the combined [p.Arg512Trp;p.Arg515Trp] allele as likely pathogenic for Joubert syndrome but classify p.Arg512Trp (when in isolation) as a variant of uncertain significance.

Literature cited by the submitters: PubMed 19668216 (cited by Labcorp Genetics (formerly Invitae), Labcorp).